The following is an entry in ClinVar:

NM_000455.5(STK11):c.301C>G (p.Leu101Val)

Gene: STK11 (serine/threonine kinase 11; plus strand). Cytogenetic location: 19p13.3.
Variant type: single nucleotide variant.
Coding change: c.301C>G on transcript NM_000455.5 (MANE Select); coding-DNA position 301, C replaced by G.
Protein change: p.Leu101Val; replaces leucine 101 with valine.
Molecular consequence: missense variant.
Genome position (GRCh38, 1-based): chr19:1,218,427, C>G. VCF-style: chr19-1218427-C-G. GRCh37 (hg19) VCF-style: chr19-1218426-C-G.
Other names: p.L101V:CTA>GTA; short protein forms L101V.
Identifiers: ClinVar variation 135919 (VCV000135919.28), dbSNP rs587780716, ClinGen allele CA022804.

ClinVar aggregate classification (germline): Conflicting classifications of pathogenicity. Review status: criteria provided, conflicting classifications (1 of 4 stars). 8 submissions from 8 submitters: Uncertain significance (6); Likely benign (2). Last evaluated 2026-01-16.

Conditions:
Hereditary cancer-predisposing syndrome. Also called: Tumor predisposition; Hereditary neoplastic syndrome; Neoplastic Syndromes, Hereditary; Hereditary Cancer Syndrome. Identifiers: Orphanet 140162, MedGen C0027672, MeSH D009386, MONDO:0015356.
Peutz-Jeghers syndrome (PJS). Also called: Peutz-Jeghers polyposis; Periorificial lentiginosis syndrome; POLYPOSIS, HAMARTOMATOUS INTESTINAL; POLYPS-AND-SPOTS SYNDROME. Identifiers: Orphanet 2869, MedGen C0031269, MeSH D010580, MONDO:0008280, OMIM 175200.

Allele frequency attached by ClinVar (database versions not stated): gnomAD 0.00001; gnomAD exomes 0.00001; TOPMed 0.00001.
gnomAD v4.1: 8 of 1,613,482 alleles (0.0005%); highest among the groups gnomAD compares: Non-Finnish European, 0.00068%; no homozygotes.

Submissions (8):

Labcorp Genetics (formerly Invitae), Labcorp
Classification: Likely benign for Peutz-Jeghers syndrome. Last evaluated: 2026-01-16. Review status: criteria provided, single submitter. Criteria: Invitae Variant Classification Sherloc (09022015). Collection method: clinical testing. Allele origin: germline.

All of Us Research Program, National Institutes of Health
Classification: Uncertain significance for Peutz-Jeghers syndrome. Last evaluated: 2024-04-25. Review status: criteria provided, single submitter. Criteria: ACMG Guidelines, 2015. Collection method: clinical testing. Allele origin: germline. Inheritance: Autosomal dominant inheritance. Observed: 2 variant alleles, 2 heterozygotes.
Comment: This missense variant replaces leucine with valine at codon 101 of the STK11 protein. Computational prediction suggests that this variant may not impact protein structure and function (internally defined REVEL score threshold <= 0.5, PMID: 27666373). To our knowledge, functional studies have not been reported for this variant. This variant has not been reported in individuals affected with STK11-related disorders in the literature. This variant has not been identified in the general population by the Genome Aggregation Database (gnomAD). The available evidence is insufficient to determine the role of this variant in disease conclusively. Therefore, this variant is classified as a Variant of Uncertain Significance.

This study involves interpretation of variants in research participants for the purpose of population health screening. Participant phenotype was not available at the time of variant classification. Additional details can be found in publication PMID: 35346344, PMCID: PMC8962531

Color Diagnostics, LLC DBA Color Health
Classification: Uncertain significance for Hereditary cancer-predisposing syndrome. Last evaluated: 2024-03-06. Review status: criteria provided, single submitter. Criteria: ACMG Guidelines, 2015. Collection method: clinical testing. Allele origin: germline.
Comment: This missense variant replaces leucine with valine at codon 101 of the STK11 protein. Computational prediction suggests that this variant may not impact protein structure and function (internally defined REVEL score threshold <= 0.5, PMID: 27666373). To our knowledge, functional studies have not been reported for this variant. This variant has not been reported in individuals affected with STK11-related disorders in the literature. This variant has not been identified in the general population by the Genome Aggregation Database (gnomAD). The available evidence is insufficient to determine the role of this variant in disease conclusively. Therefore, this variant is classified as a Variant of Uncertain Significance.

Quest Diagnostics Nichols Institute San Juan Capistrano
Classification: Uncertain significance. Last evaluated: 2023-12-27. Review status: criteria provided, single submitter. Criteria: Quest Diagnostics criteria. Collection method: clinical testing. Allele origin: unknown.
Comment: The STK11 c.301C>G (p.Leu101Val) variant has not been reported in individuals with STK11-related conditions in the published literature. The frequency of this variant in the general population, 0.0000066 (1/152248 chromosomes (Genome Aggregation Database)), is uninformative in the assessment of its pathogenicity. Analysis of this variant using bioinformatics tools for the prediction of the effect of amino acid changes on protein structure and function yielded predictions that this variant is benign. Based on the available information, we are unable to determine the clinical significance of this variant.

Ambry Genetics
Classification: Likely benign for Hereditary cancer-predisposing syndrome. Last evaluated: 2023-11-13. Review status: criteria provided, single submitter. Criteria: Ambry Variant Classification Scheme 2023. Collection method: clinical testing. Allele origin: germline.

GeneDx
Classification: Uncertain significance. Last evaluated: 2022-12-09. Review status: criteria provided, single submitter. Criteria: GeneDx Variant Classification Process June 2021. Collection method: clinical testing. Allele origin: germline. Affected: yes.
Comment: Not observed at significant frequency in large population cohorts (gnomAD); In silico analysis supports that this missense variant does not alter protein structure/function; Has not been previously published as pathogenic or benign to our knowledge; This variant is associated with the following publications: (PMID: 30787465, 15863673)

Genome-Nilou Lab
Classification: Uncertain significance for Peutz-Jeghers syndrome. Last evaluated: 2021-07-15. Review status: criteria provided, single submitter. Criteria: ACMG Guidelines, 2015. Collection method: clinical testing. Allele origin: germline. Affected: no.

Women's Health and Genetics/Laboratory Corporation of America, LabCorp
Classification: Uncertain significance. Last evaluated: 2015-10-30. Review status: criteria provided, single submitter. Criteria: LabCorp Variant Classification Summary - May 2015. Collection method: clinical testing. Allele origin: germline.